The following is an entry in ClinVar:

NM_001160148.2(DDHD1):c.637G>C (p.Asp213His)

Gene: DDHD1 (DDHD domain containing 1; minus strand). Cytogenetic location: 14q22.1.
Variant type: single nucleotide variant.
Coding change: c.637G>C on transcript NM_001160148.2 (MANE Select); coding-DNA position 637, G replaced by C.
Protein change: p.Asp213His; replaces aspartic acid 213 with histidine.
Molecular consequence: missense variant.
Genome position (GRCh38, 1-based): chr14:53,152,462, C>G on the plus strand (G>C on the coding strand, the complement: DDHD1 is on the minus strand). VCF-style: chr14-53152462-C-G. GRCh37 (hg19) VCF-style: chr14-53619180-C-G.
Other names: c.637G>C, p.Asp213His (NM_001160147.2, NM_030637.3); short protein forms D213H.
Identifiers: ClinVar variation 1879278 (VCV001879278.29), dbSNP rs150441319, ClinGen allele CA389780323.

ClinVar aggregate classification (germline): Uncertain significance (1 of 4 stars; one submission).

Submission:

CeGaT Center for Human Genetics Tuebingen
Classification: Uncertain significance. Last evaluated: 2022-10-01. Review status: criteria provided, single submitter. Criteria: CeGaT Center For Human Genetics Tuebingen Variant Classification Criteria Version 2. Collection method: clinical testing. Allele origin: germline. Affected: yes. Observed: 1 variant allele.
Comment: DDHD1: PM2